The following is an entry in ClinVar:

NM_000466.3(PEX1):c.119A>G (p.His40Arg)

Gene: PEX1 (peroxisomal biogenesis factor 1; minus strand). Cytogenetic location: 7q21.2.
Variant type: single nucleotide variant.
Coding change: c.119A>G on transcript NM_000466.3 (MANE Select); coding-DNA position 119, A replaced by G.
Protein change: p.His40Arg; replaces histidine 40 with arginine.
Molecular consequence: missense variant. On other transcripts: 5 prime UTR variant (1).
Genome position (GRCh38, 1-based): chr7:92,528,317, T>C on the plus strand (A>G on the coding strand, the complement: PEX1 is on the minus strand). VCF-style: chr7-92528317-T-C. GRCh37 (hg19) VCF-style: chr7-92157631-T-C.
Other names: c.119A>G, p.His40Arg (NM_001282677.2); c.-541A>G (NM_001282678.2); short protein forms H40R.
Identifiers: ClinVar variation 1902049 (VCV001902049.2), dbSNP rs766254587, ClinGen allele CA4341694.

ClinVar aggregate classification (germline): Uncertain significance (1 of 4 stars; one submission).

Conditions:
Zellweger spectrum disorders (ZS). Also called: Zellweger Spectrum Disorder (ZSD); Zellweger Spectrum Disorder; Zellweger Spectrum; Zellweger syndrome. Identifiers: Orphanet 912, MedGen C0043459, MONDO:0019609.

Allele frequency attached by ClinVar (database versions not stated): TOPMed below 0.00001; gnomAD 0.00001; gnomAD exomes 0.00004.
gnomAD v4.1: 61 of 1,561,650 alleles (0.0039%); highest among the groups gnomAD compares: Non-Finnish European, 0.005%; no homozygotes.

Submission:

Labcorp Genetics (formerly Invitae), Labcorp
Classification: Uncertain significance for Zellweger spectrum disorders. Last evaluated: 2021-12-24. Review status: criteria provided, single submitter. Criteria: Invitae Variant Classification Sherloc (09022015). Collection method: clinical testing. Allele origin: germline.
Comment: This sequence change replaces histidine, which is basic and polar, with arginine, which is basic and polar, at codon 40 of the PEX1 protein (p.His40Arg). This variant is present in population databases (rs766254587, gnomAD 0.002%). This variant has not been reported in the literature in individuals affected with PEX1-related conditions. Advanced modeling of protein sequence and biophysical properties (such as structural, functional, and spatial information, amino acid conservation, physicochemical variation, residue mobility, and thermodynamic stability) performed at Invitae indicates that this missense variant is not expected to disrupt PEX1 protein function. In summary, the available evidence is currently insufficient to determine the role of this variant in disease. Therefore, it has been classified as a Variant of Uncertain Significance.